The following is an entry in ClinVar:

NM_001394062.1(MACF1):c.9525A>G (p.Glu3175=)

Gene: MACF1 (microtubule actin crosslinking factor 1; plus strand). Cytogenetic location: 1p34.3.
Variant type: single nucleotide variant.
Coding change: c.9525A>G on transcript NM_001394062.1 (MANE Select); coding-DNA position 9525, A replaced by G.
Protein change: p.Glu3175=; no amino-acid change (glutamic acid 3175 retained).
Molecular consequence: synonymous variant. On other transcripts: intron variant (1).
Genome position (GRCh38, 1-based): chr1:39,336,113, A>G. VCF-style: chr1-39336113-A-G. GRCh37 (hg19) VCF-style: chr1-39801785-A-G.
Other names: c.4629+8760A>G (NM_012090.5).
Identifiers: ClinVar variation 4874837 (VCV004874837.2).

ClinVar aggregate classification (germline): Likely benign (1 of 4 stars; one submission).

Submission:

CeGaT Center for Human Genetics Tuebingen
Classification: Likely benign. Last evaluated: 2026-05-01. Review status: criteria provided, single submitter. Criteria: CeGaT Center For Human Genetics Tuebingen Variant Classification Criteria Version 2. Collection method: clinical testing. Allele origin: germline. Affected: yes. Observed: 1 variant allele.
Comment: MACF1: PM2:Supporting, BP4, BP7